The following is an entry in ClinVar:

ClinVar aggregate classification (germline): Benign. Review status: criteria provided, multiple submitters, no conflicts (2 of 4 stars). 11 submissions from 11 submitters: Benign (9). 2 of the submissions do not count toward it. Last evaluated 2026-02-04.

Conditions:
Deficiency of butyryl-CoA dehydrogenase (ACADSD). Also called: SCADH DEFICIENCY; SCAD Deficiency; Short-Chain Acyl-CoA Dehydrogenase Deficiency; SCAD DEFICIENCY, MILD; ACYL-CoA DEHYDROGENASE, SHORT-CHAIN, DEFICIENCY OF; ACADS DEFICIENCY. Identifiers: Orphanet 26792, MedGen C0342783, MONDO:0008722, OMIM 201470. Disease mechanism: May be benign.

Allele frequency attached by ClinVar (database versions not stated): gnomAD exomes 0.47219 and 0.53996; ExAC 0.54526; ESP Exome Variant Server 0.59196; gnomAD 0.59383 and 0.59445; TOPMed 0.61417; 1000 Genomes Project 0.67312; 1000 Genomes Project 30x 0.68004.
gnomAD v4.1: 782,575 of 1,613,652 alleles (48%); highest among the groups gnomAD compares: African/African-American, 89%; 200,119 homozygotes.

Submissions (11):

Labcorp Genetics (formerly Invitae), Labcorp
Classification: Benign for Deficiency of butyryl-CoA dehydrogenase. Last evaluated: 2026-02-04. Review status: criteria provided, single submitter. Criteria: Invitae Variant Classification Sherloc (09022015). Collection method: clinical testing. Allele origin: germline.

Women's Health and Genetics/Laboratory Corporation of America, LabCorp
Classification: Benign. Last evaluated: 2025-12-11. Review status: criteria provided, single submitter. Criteria: LabCorp Variant Classification Summary - May 2015. Collection method: clinical testing. Allele origin: germline.

Mayo Clinic Laboratories, Mayo Clinic
Classification: Benign. Last evaluated: 2022-03-10. Review status: criteria provided, single submitter. Criteria: ACMG Guidelines, 2015. Collection method: clinical testing. Allele origin: germline. Observed: 632 variant alleles.

Fulgent Genetics
Classification: Benign for Deficiency of butyryl-CoA dehydrogenase. Last evaluated: 2021-07-19. Review status: criteria provided, single submitter. Criteria: ACMG Guidelines, 2015. Collection method: clinical testing. Allele origin: unknown.

Genome-Nilou Lab
Classification: Benign for Deficiency of butyryl-CoA dehydrogenase. Last evaluated: 2021-07-14. Review status: criteria provided, single submitter. Criteria: ACMG Guidelines, 2015. Collection method: clinical testing. Allele origin: germline. Affected: no.

Illumina Laboratory Services, Illumina
Classification: Benign for Deficiency of butyryl-CoA dehydrogenase. Last evaluated: 2018-01-12. Review status: criteria provided, single submitter. Criteria: ICSL Variant Classification Criteria 13 December 2019. Collection method: clinical testing. Allele origin: germline.
Comment: This variant was observed in the ICSL laboratory as part of a predisposition screen in an ostensibly healthy population. It had not been previously curated by ICSL or reported in the Human Gene Mutation Database (HGMD: prior to June 1st, 2018), and was therefore a candidate for classification through an automated scoring system. Utilizing variant allele frequency, disease prevalence and penetrance estimates, and inheritance mode, an automated score was calculated to assess if this variant is too frequent to cause the disease. Based on the score and internal cut-off values, a variant classified as benign is not then subjected to further curation. The score for this variant resulted in a classification of benign for this disease.

GeneDx
Classification: Benign. Last evaluated: 2013-08-26. Review status: criteria provided, single submitter. Criteria: GeneDx Variant Classification (06012015). Collection method: clinical testing. Allele origin: germline. Affected: yes.
Comment: This variant is considered likely benign or benign based on one or more of the following criteria: it is a conservative change, it occurs at a poorly conserved position in the protein, it is predicted to be benign by multiple in silico algorithms, and/or has population frequency not consistent with disease.

Breakthrough Genomics
Classification: Benign. Review status: criteria provided, single submitter. Criteria: ACMG Guidelines, 2015. Collection method: not provided. Allele origin: germline. Inheritance: Autosomal recessive inheritance. Affected: yes.

PreventionGenetics, part of Exact Sciences
Classification: Benign. Review status: criteria provided, single submitter. Criteria: ACMG Guidelines, 2015. Collection method: clinical testing. Allele origin: germline.

Diagnostic Laboratory, Department of Genetics, University Medical Center Groningen
Classification: Benign. Review status: no assertion criteria provided. Collection method: clinical testing. Allele origin: germline. Affected: yes. Study: VKGL Data-share Consensus. Not counted in ClinVar's aggregate classification.

Joint Genome Diagnostic Labs from Nijmegen and Maastricht, Radboudumc and MUMC+
Classification: Benign. Review status: no assertion criteria provided. Collection method: clinical testing. Allele origin: germline. Affected: yes. Study: VKGL Data-share Consensus. Not counted in ClinVar's aggregate classification.

NM_000017.4(ACADS):c.990C>T (p.Arg330=)

Gene: ACADS (acyl-CoA dehydrogenase short chain; plus strand). Cytogenetic location: 12q24.31.
Variant type: single nucleotide variant.
Coding change: c.990C>T on transcript NM_000017.4 (MANE Select); coding-DNA position 990, C replaced by T.
Protein change: p.Arg330=; no amino-acid change (arginine 330 retained).
Molecular consequence: synonymous variant.
Genome position (GRCh38, 1-based): chr12:120,738,876, C>T. VCF-style: chr12-120738876-C-T. GRCh37 (hg19) VCF-style: chr12-121176679-C-T.
Other names: p.R330R:CGC>CGT; p.Arg330=; c.978C>T, p.Arg326= (NM_001302554.2).
Identifiers: ClinVar variation 136260 (VCV000136260.26), dbSNP rs3915, ClinGen allele CA289255.